The following is an entry in ClinVar:

NC_000012.12:g.121641463C>G

Gene: ORAI1 (ORAI calcium release-activated calcium modulator 1; plus strand). Cytogenetic location: 12q24.31.
Variant type: single nucleotide variant.
Genome position: GRCh38 VCF-style: chr12-121641463-C-G. GRCh37 (hg19) VCF-style: chr12-122079369-C-G.
Other names: c.726C>G, p.Ile242Met (NM_032790.4); short protein forms I242M.
Identifiers: ClinVar variation 949979 (VCV000949979.8), dbSNP rs782656834, ClinGen allele CA6837553.

ClinVar aggregate classification (germline): Uncertain significance (1 of 4 stars; one submission).

Conditions:
Myopathy, tubular aggregate, 2 (TAM2). Identifiers: MedGen C4014557, MONDO:0014383, OMIM 615883.
Combined immunodeficiency due to ORAI1 deficiency. Also called: IMMUNODEFICIENCY 9. Identifiers: Orphanet 169090, Orphanet 317428, MedGen C2748568, MONDO:0013007, OMIM 612782.

Allele frequency attached by ClinVar (database versions not stated): gnomAD exomes 0.00004; gnomAD 0.00005; TOPMed 0.00006; ExAC 0.00007.

Submission:

Labcorp Genetics (formerly Invitae), Labcorp
Classification: Uncertain significance for Myopathy, tubular aggregate, 2; Combined immunodeficiency due to ORAI1 deficiency. Last evaluated: 2025-12-21. Review status: criteria provided, single submitter. Criteria: Invitae Variant Classification Sherloc (09022015). Collection method: clinical testing. Allele origin: germline.
Comment: This sequence change replaces isoleucine, which is neutral and non-polar, with methionine, which is neutral and non-polar, at codon 242 of the ORAI1 protein (p.Ile242Met). This variant is present in population databases (rs782656834, gnomAD 0.01%). This variant has not been reported in the literature in individuals affected with ORAI1-related conditions. ClinVar contains an entry for this variant (Variation ID: 949979). Experimental studies and prediction algorithms are not available or were not evaluated, and the functional significance of this variant is currently unknown. In summary, the available evidence is currently insufficient to determine the role of this variant in disease. Therefore, it has been classified as a Variant of Uncertain Significance.